The following is an entry in ClinVar:

ClinVar aggregate classification (germline): Pathogenic (1 of 4 stars; one submission).

Conditions:
Fanconi anemia complementation group O. Also called: RAD51C-Related Fanconi Anemia. Identifiers: Orphanet 84, MedGen C3150653, MONDO:0013248, OMIM 613390.

Submission:

Labcorp Genetics (formerly Invitae), Labcorp
Classification: Pathogenic for Fanconi anemia complementation group O. Last evaluated: 2024-01-25. Review status: criteria provided, single submitter. Criteria: Invitae Variant Classification Sherloc (09022015). Collection method: clinical testing. Allele origin: germline.
Comment: This sequence change creates a premature translational stop signal (p.Lys26Glufs*11) in the RAD51C gene. It is expected to result in an absent or disrupted protein product. Loss-of-function variants in RAD51C are known to be pathogenic (PMID: 20400964, 21990120, 24800917, 29278735). This variant is not present in population databases (gnomAD no frequency). This variant has not been reported in the literature in individuals affected with RAD51C-related conditions. Algorithms developed to predict the effect of sequence changes on RNA splicing suggest that this variant may disrupt the consensus splice site. For these reasons, this variant has been classified as Pathogenic.

Literature cited by the submitters: PubMed 20400964; PubMed 21990120; PubMed 24800917; PubMed 29278735.

NM_058216.3(RAD51C):c.75dup (p.Lys26fs)

Gene: RAD51C (RAD51 paralog C; plus strand). Cytogenetic location: 17q22.
Variant type: Duplication.
Coding change: c.75dup on transcript NM_058216.3 (MANE Select); coding-DNA position 75, one base duplicated (G; older notation c.75dupG).
Protein change: p.Lys26fs; shifts the reading frame from lysine 26.
Molecular consequence: frameshift variant. On other transcripts: non-coding transcript variant (1).
Genome position (GRCh38, 1-based): chr17:58,692,718, G duplicated. VCF-style (leftmost placement, unchanged base first): chr17-58692717-T-TG. GRCh37 (hg19) VCF-style: chr17-56770078-T-TG.
Other names: c.75dup, p.Lys26fs (NM_002876.4); c.75dup, p.Lys26Glufs (NM_058217.1); short protein forms K26fs.
Identifiers: ClinVar variation 2711517 (VCV002711517.3), dbSNP rs2509261498, ClinGen allele CA2697560124.